The following is an entry in ClinVar:

NM_002474.3(MYH11):c.4401C>T (p.Tyr1467=)

Genes: MYH11 (myosin heavy chain 11; minus strand), NDE1 (nudE neurodevelopment protein 1; plus strand). Cytogenetic location: 16p13.11.
Variant type: single nucleotide variant.
Coding change: c.4401C>T on transcript NM_002474.3 (MANE Select); coding-DNA position 4401, C replaced by T.
Protein change: p.Tyr1467=; no amino-acid change (tyrosine 1467 retained).
Molecular consequence: synonymous variant. On other transcripts: intron variant (2).
Genome position (GRCh38, 1-based): chr16:15,721,599, G>A on the plus strand (C>T on the coding strand, the complement: MYH11 is on the minus strand). VCF-style: chr16-15721599-G-A. GRCh37 (hg19) VCF-style: chr16-15815456-G-A.
Other names: p.Y1467Y:TAC>TAT; p.Tyr1474=; c.4422C>T, p.Tyr1474= (NM_001040113.2, NM_001040114.2); c.4401C>T, p.Tyr1467= (NM_022844.3); c.948-2592G>A (NM_001143979.2, NM_017668.3).
Identifiers: ClinVar variation 138343 (VCV000138343.35), dbSNP rs8046180, ClinGen allele CA292307.
Genomic context (GRCh38, chr16:15,721,599, plus strand): 5'-GGACAGGGCCTTGGTTTCCTTCTCCCTGGCTTCTGCCTCAGCTCTGTCCCTCTCATCCGC[G>A]TATTTGGAAGAGATGTTTTTCTCCTCGGCTAACAACTACAACACAAGACCCAGAGGTGAC-3'
Protein context (NP_002465.1, residues 1457-1477): LAEEKNISSK[Tyr1467=]ADERDRAEAE

ClinVar aggregate classification (germline): Benign/Likely benign. Review status: criteria provided, multiple submitters, no conflicts (2 of 4 stars). 11 submissions from 11 submitters: Benign (8); Likely benign (3). Last evaluated 2026-03-27.

Conditions:
Familial thoracic aortic aneurysm and aortic dissection (TAAD). Also called: Thoracic aortic aneurysms and dissections. Identifiers: Orphanet 91387, MedGen C4707243, MONDO:0019625.
Aortic aneurysm, familial thoracic 4 (AAT4). Also called: AORTIC ANEURYSM/AORTIC DISSECTION AND PATENT DUCTUS ARTERIOSUS. Identifiers: MedGen C1851504, MONDO:0007568, OMIM 132900.

Allele frequency attached by ClinVar (database versions not stated): ESP Exome Variant Server 0.01416; gnomAD exomes 0.00239 and 0.00084; ExAC 0.00303; 1000 Genomes Project 30x 0.00937; gnomAD 0.00945 and 0.01019; 1000 Genomes Project 0.00958; TOPMed 0.01021.
gnomAD v4.1: 2,694 of 1,614,128 alleles (0.17%); highest among the groups gnomAD compares: African/African-American, 3.3%; 39 homozygotes.

Submissions (11):

Molecular Diagnostic Laboratory for Inherited Cardiovascular Disease, Montreal Heart Institute
Classification: Likely benign. Last evaluated: 2026-03-27. Review status: criteria provided, single submitter. Criteria: ACMG Guidelines, 2015. Collection method: clinical testing. Allele origin: germline. Affected: no.
Comment: BS1;BP7

Labcorp Genetics (formerly Invitae), Labcorp
Classification: Benign for Aortic aneurysm, familial thoracic 4. Last evaluated: 2026-02-03. Review status: criteria provided, single submitter. Criteria: Invitae Variant Classification Sherloc (09022015). Collection method: clinical testing. Allele origin: germline.

ARUP Laboratories, Molecular Genetics and Genomics, ARUP Laboratories
Classification: Benign. Last evaluated: 2025-06-16. Review status: criteria provided, single submitter. Criteria: ARUP Molecular Germline Variant Investigation Process 2024. Collection method: clinical testing. Allele origin: germline.

All of Us Research Program, National Institutes of Health
Classification: Benign for Familial thoracic aortic aneurysm and aortic dissection. Last evaluated: 2024-02-05. Review status: criteria provided, single submitter. Criteria: ACMG Guidelines, 2015. Collection method: clinical testing. Allele origin: germline. Inheritance: Autosomal dominant inheritance. Observed: 517 variant alleles, 503 heterozygotes, 14 homozygotes.
Comment: This study involves interpretation of variants in research participants for the purpose of population health screening. Participant phenotype was not available at the time of variant classification. Additional details can be found in publication PMID: 35346344, PMCID: PMC8962531

Mayo Clinic Laboratories, Mayo Clinic
Classification: Benign. Last evaluated: 2022-09-20. Review status: criteria provided, single submitter. Criteria: ACMG Guidelines, 2015. Collection method: clinical testing. Allele origin: germline. Observed: 9 variant alleles.
Comment: BS1, BS2, BP4, BP7

Color Diagnostics, LLC DBA Color Health
Classification: Benign for Familial thoracic aortic aneurysm and aortic dissection. Last evaluated: 2018-03-16. Review status: criteria provided, single submitter. Criteria: ACMG Guidelines, 2015. Collection method: clinical testing. Allele origin: germline.

Illumina Laboratory Services, Illumina
Classification: Likely benign for Aortic aneurysm, familial thoracic 4. Last evaluated: 2018-01-12. Review status: criteria provided, single submitter. Criteria: ICSL Variant Classification Criteria 13 December 2019. Collection method: clinical testing. Allele origin: germline.
Comment: This variant was observed in the ICSL laboratory as part of a predisposition screen in an ostensibly healthy population. It had not been previously curated by ICSL or reported in the Human Gene Mutation Database (HGMD: prior to June 1st, 2018), and was therefore a candidate for classification through an automated scoring system. Utilizing variant allele frequency, disease prevalence and penetrance estimates, and inheritance mode, an automated score was calculated to assess if this variant is too frequent to cause the disease. Based on the score and internal cut-off values, a variant classified as likely benign is not then subjected to further curation. The score for this variant resulted in a classification of likely benign for this disease.

Ambry Genetics
Classification: Benign for Familial thoracic aortic aneurysm and aortic dissection. Last evaluated: 2015-07-07. Review status: criteria provided, single submitter. Criteria: Ambry Variant Classification Scheme 2023. Collection method: clinical testing. Allele origin: germline.

GeneDx
Classification: Benign. Last evaluated: 2013-07-12. Review status: criteria provided, single submitter. Criteria: GeneDx Variant Classification (06012015). Collection method: clinical testing. Allele origin: germline. Affected: yes.
Comment: This variant is considered likely benign or benign based on one or more of the following criteria: it is a conservative change, it occurs at a poorly conserved position in the protein, it is predicted to be benign by multiple in silico algorithms, and/or has population frequency not consistent with disease.

Breakthrough Genomics
Classification: Likely benign. Review status: criteria provided, single submitter. Criteria: ACMG Guidelines, 2015. Collection method: not provided. Allele origin: germline. Inheritance: Autosomal recessive inheritance. Affected: yes.

PreventionGenetics, part of Exact Sciences
Classification: Benign. Review status: criteria provided, single submitter. Criteria: ACMG Guidelines, 2015. Collection method: clinical testing. Allele origin: germline.